The following is an entry in ClinVar:

ClinVar aggregate classification (germline): Uncertain significance. Review status: criteria provided, multiple submitters, no conflicts (2 of 4 stars). 3 submissions from 3 submitters: Uncertain significance (2). 1 of the submissions does not count toward it. Last evaluated 2024-10-21.

Conditions:
Retinitis pigmentosa 25 (RP25). Identifiers: Orphanet 791, MedGen C1864446, MONDO:0011272, OMIM 602772.

Allele frequency attached by ClinVar (database versions not stated): gnomAD exomes 0.00008; ExAC 0.00009; gnomAD 0.00010 and 0.00011; TOPMed 0.00010.
gnomAD v4.1: 262 of 1,547,330 alleles (0.017%); highest among the groups gnomAD compares: Non-Finnish European, 0.021%; no homozygotes.

Submissions (3):

Blueprint Genetics
Classification: Uncertain significance. Last evaluated: 2024-10-21. Review status: criteria provided, single submitter. Criteria: ACMG Guidelines, 2015. Collection method: clinical testing. Allele origin: germline.

Labcorp Genetics (formerly Invitae), Labcorp
Classification: Uncertain significance. Last evaluated: 2024-05-24. Review status: criteria provided, single submitter. Criteria: Invitae Variant Classification Sherloc (09022015). Collection method: clinical testing. Allele origin: germline.
Comment: This sequence change replaces alanine, which is neutral and non-polar, with serine, which is neutral and polar, at codon 1278 of the EYS protein (p.Ala1278Ser). This variant is present in population databases (rs775270768, gnomAD 0.01%). This variant has not been reported in the literature in individuals affected with EYS-related conditions. ClinVar contains an entry for this variant (Variation ID: 971687). Algorithms developed to predict the effect of missense changes on protein structure and function output the following: SIFT: "Not Available"; PolyPhen-2: "Probably Damaging"; Align-GVGD: "Not Available". The serine amino acid residue is found in multiple mammalian species, which suggests that this missense change does not adversely affect protein function. In summary, the available evidence is currently insufficient to determine the role of this variant in disease. Therefore, it has been classified as a Variant of Uncertain Significance.

Natera, Inc.
Classification: Uncertain significance for Retinitis pigmentosa type 25. Last evaluated: 2021-01-22. Review status: no assertion criteria provided. Collection method: clinical testing. Allele origin: germline. Not counted in ClinVar's aggregate classification.

NM_001142800.2(EYS):c.3832G>T (p.Ala1278Ser)

Gene: EYS (EGF-like photoreceptor maintenance factor; minus strand). Cytogenetic location: 6q12.
Variant type: single nucleotide variant.
Coding change: c.3832G>T on transcript NM_001142800.2 (MANE Select); coding-DNA position 3832, G replaced by T.
Protein change: p.Ala1278Ser; replaces alanine 1278 with serine.
Molecular consequence: missense variant.
Genome position (GRCh38, 1-based): chr6:64,593,162, C>A on the plus strand (G>T on the coding strand, the complement: EYS is on the minus strand). VCF-style: chr6-64593162-C-A. GRCh37 (hg19) VCF-style: chr6-65303055-C-A.
Other names: c.3832G>T, p.Ala1278Ser (NM_001292009.2); short protein forms A1278S.
Identifiers: ClinVar variation 971687 (VCV000971687.6), dbSNP rs775270768, ClinGen allele CA3877128.
Genomic context (GRCh38, chr6:64,593,162, plus strand): 5'-CCCACTTCTACTTACCTTGATCAACTGGGTAAGTGTCCATTATGGCTGGTATTCTAGTAG[C>A]CTTTATAGATGGAAAGCTGCTGACCAAAGTCTCAGAAGGGGGAATTGTATATGTCTGTGT-3'
Protein context (NP_001136272.1, residues 1268-1288): TLVSSFPSIK[Ala1278Ser]TRIPAIMDTY